The following is an entry in ClinVar:

NM_006876.3(B4GAT1):c.665A>G (p.Tyr222Cys)

Gene: B4GAT1 (beta-1,4-glucuronyltransferase 1; minus strand). Cytogenetic location: 11q13.2.
Variant type: single nucleotide variant.
Coding change: c.665A>G on transcript NM_006876.3 (MANE Select); coding-DNA position 665, A replaced by G.
Protein change: p.Tyr222Cys; replaces tyrosine 222 with cysteine.
Molecular consequence: missense variant.
Genome position (GRCh38, 1-based): chr11:66,346,881, T>C on the plus strand (A>G on the coding strand, the complement: B4GAT1 is on the minus strand). VCF-style: chr11-66346881-T-C. GRCh37 (hg19) VCF-style: chr11-66114352-T-C.
Other names: short protein forms Y222C.
Identifiers: ClinVar variation 541277 (VCV000541277.8), dbSNP rs113570160, ClinGen allele CA6120523.
Genomic context (GRCh38, chr11:66,346,881, plus strand): 5'-TCCCGCAGGCCTCTCCACAGCCCCTCGCTGGGCACCATGTCCACATCGATCACCAGGGCA[T>C]AGTTGGCCCCCTCACGAGCCAGATTCCTCAGCAGGTTATTGGGGTAGGAGACATTGGTGC-3'
Protein context (NP_006867.1, residues 212-232): LRNLAREGAN[Tyr222Cys]ALVIDVDMVP

ClinVar aggregate classification (germline): Uncertain significance (1 of 4 stars; one submission).

Conditions:
Muscular dystrophy-dystroglycanopathy (congenital with brain and eye anomalies), type A13. Also called: WALKER-WARBURG SYNDROME OR MUSCLE-EYE-BRAIN DISEASE, B3GNT1-RELATED; Muscular dystrophy-dystroglycanopathy (congenital with brain and eye anomalies), type a, 13. Identifiers: Orphanet 899, MedGen C3809042, MONDO:0014120, OMIM 615287.

Allele frequency attached by ClinVar (database versions not stated): gnomAD exomes below 0.00001 and 0.00001; TOPMed below 0.00001; ExAC 0.00001.

Submission:

Labcorp Genetics (formerly Invitae), Labcorp
Classification: Uncertain significance for Muscular dystrophy-dystroglycanopathy (congenital with brain and eye anomalies), type A13. Last evaluated: 2022-08-09. Review status: criteria provided, single submitter. Criteria: Invitae Variant Classification Sherloc (09022015). Collection method: clinical testing. Allele origin: germline.
Comment: This sequence change replaces tyrosine, which is neutral and polar, with cysteine, which is neutral and slightly polar, at codon 222 of the B4GAT1 protein (p.Tyr222Cys). This variant is present in population databases (rs113570160, gnomAD 0.006%). This variant has not been reported in the literature in individuals affected with B4GAT1-related conditions. ClinVar contains an entry for this variant (Variation ID: 541277). Algorithms developed to predict the effect of missense changes on protein structure and function (SIFT, PolyPhen-2, Align-GVGD) all suggest that this variant is likely to be disruptive. In summary, the available evidence is currently insufficient to determine the role of this variant in disease. Therefore, it has been classified as a Variant of Uncertain Significance.